The following is an entry in ClinVar:

ClinVar aggregate classification (germline): Uncertain significance (1 of 4 stars; one submission).

Submission:

Labcorp Genetics (formerly Invitae), Labcorp
Classification: Uncertain significance. Last evaluated: 2023-06-29. Review status: criteria provided, single submitter. Criteria: Invitae Variant Classification Sherloc (09022015). Collection method: clinical testing. Allele origin: germline.
Comment: Advanced modeling of protein sequence and biophysical properties (such as structural, functional, and spatial information, amino acid conservation, physicochemical variation, residue mobility, and thermodynamic stability) performed at Invitae indicates that this missense variant is expected to disrupt WDR62 protein function. In summary, the available evidence is currently insufficient to determine the role of this variant in disease. Therefore, it has been classified as a Variant of Uncertain Significance. ClinVar contains an entry for this variant (Variation ID: 1436676). This missense change has been observed in individual(s) with primary microcephaly (PMID: 30706430). It has also been observed to segregate with disease in related individuals. This variant is not present in population databases (gnomAD no frequency). This sequence change replaces phenylalanine, which is neutral and non-polar, with serine, which is neutral and polar, at codon 223 of the WDR62 protein (p.Phe223Ser).

Literature cited by the submitters: PubMed 30706430.

NM_001083961.2(WDR62):c.668T>C (p.Phe223Ser)

Gene: WDR62 (WD repeat domain 62; plus strand). Cytogenetic location: 19q13.12.
Variant type: single nucleotide variant.
Coding change: c.668T>C on transcript NM_001083961.2 (MANE Select); coding-DNA position 668, T replaced by C.
Protein change: p.Phe223Ser; replaces phenylalanine 223 with serine.
Molecular consequence: missense variant.
Genome position (GRCh38, 1-based): chr19:36,067,412, T>C. VCF-style: chr19-36067412-T-C. GRCh37 (hg19) VCF-style: chr19-36558314-T-C.
Other names: c.668T>C, p.Phe223Ser (NM_173636.5); short protein forms F223S.
Identifiers: ClinVar variation 1436676 (VCV001436676.8), dbSNP rs2145586896, ClinGen allele CA405429117.